The following is an entry in ClinVar:

ClinVar aggregate classification (germline): Uncertain significance (1 of 4 stars; one submission).

Conditions:
Intellectual disability, autosomal recessive 53 (NEDHSCA). Also called: NEURODEVELOPMENTAL DISORDER WITH OR WITHOUT HYPOTONIA, SEIZURES, AND CEREBELLAR ATROPHY; GLYCOSYLPHOSPHATIDYLINOSITOL BIOSYNTHESIS DEFECT 13; Mental retardation, autosomal recessive 53. Identifiers: Orphanet 488635, MedGen C4310794, MONDO:0014832, OMIM 616917.

Allele frequency attached by ClinVar (database versions not stated): gnomAD 0.00002; TOPMed 0.00002.

Submission:

Labcorp Genetics (formerly Invitae), Labcorp
Classification: Uncertain significance for Intellectual disability, autosomal recessive 53. Last evaluated: 2022-07-10. Review status: criteria provided, single submitter. Criteria: Invitae Variant Classification Sherloc (09022015). Collection method: clinical testing. Allele origin: germline.
Comment: This sequence change replaces glutamic acid, which is acidic and polar, with lysine, which is basic and polar, at codon 98 of the PIGG protein (p.Glu98Lys). This variant is present in population databases (no rsID available, gnomAD 0.003%). This variant has not been reported in the literature in individuals affected with PIGG-related conditions. Algorithms developed to predict the effect of missense changes on protein structure and function are either unavailable or do not agree on the potential impact of this missense change (SIFT: "Tolerated"; PolyPhen-2: "Probably Damaging"; Align-GVGD: "Class C0"). In summary, the available evidence is currently insufficient to determine the role of this variant in disease. Therefore, it has been classified as a Variant of Uncertain Significance.

NM_001127178.3(PIGG):c.292G>A (p.Glu98Lys)

Gene: PIGG (phosphatidylinositol glycan anchor biosynthesis class G (EMM blood group); plus strand). Cytogenetic location: 4p16.3.
Variant type: single nucleotide variant.
Coding change: c.292G>A on transcript NM_001127178.3 (MANE Select); coding-DNA position 292, G replaced by A.
Protein change: p.Glu98Lys; replaces glutamic acid 98 with lysine.
Molecular consequence: missense variant. On other transcripts: 5 prime UTR variant (5), non-coding transcript variant (10).
Genome position (GRCh38, 1-based): chr4:500,533, G>A. VCF-style: chr4-500533-G-A. GRCh37 (hg19) VCF-style: chr4-494322-G-A.
Other names: c.25G>A, p.Glu9Lys (NM_001289051.2, NM_001289053.2, NM_001289057.2 and 2 more transcripts); c.292G>A, p.Glu98Lys (NM_001289052.2, NM_001345989.2, NM_017733.5); c.-145G>A (NM_001289055.2); c.-596G>A (NM_001345988.2); c.-1334G>A (NM_001345990.2); c.-1196G>A (NM_001345991.2); c.-921G>A (NM_001345994.2); short protein forms E9K, E98K.
Identifiers: ClinVar variation 2184277 (VCV002184277.1), dbSNP rs1250343322, ClinGen allele CA355891524.